The following is an entry in ClinVar:

NM_012414.4(RAB3GAP2):c.2453C>G (p.Ser818Cys)

Gene: RAB3GAP2 (RAB3 GTPase activating non-catalytic protein subunit 2; minus strand). Cytogenetic location: 1q41.
Variant type: single nucleotide variant.
Coding change: c.2453C>G on transcript NM_012414.4 (MANE Select); coding-DNA position 2453, C replaced by G.
Protein change: p.Ser818Cys; replaces serine 818 with cysteine.
Molecular consequence: missense variant.
Genome position (GRCh38, 1-based): chr1:220,172,013, G>C on the plus strand (C>G on the coding strand, the complement: RAB3GAP2 is on the minus strand). VCF-style: chr1-220172013-G-C. GRCh37 (hg19) VCF-style: chr1-220345355-G-C.
Other names: short protein forms S818C.
Identifiers: ClinVar variation 2076459 (VCV002076459.4), dbSNP rs1571881362, ClinGen allele CA344638985.
Genomic context (GRCh38, chr1:220,172,013, plus strand): 5'-AGAGCGGCTCCATTGTTCTCAGACTGAATACAGGCTGTGCGCATCTGCTGCCACCATGGG[G>C]ACACAGACTGAGAATCCCAGGTCTCATCGATGGCCACTATAGGGATAGGAGAAAACAGAA-3'
Protein context (NP_036546.2, residues 808-828): IDETWDSQSV[Ser818Cys]PWWQQMRTAC

ClinVar aggregate classification (germline): Uncertain significance (1 of 4 stars; one submission).

Conditions:
Martsolf syndrome (MARTS). Also called: Congenital cataract with intellectual disability and hypogonadotropic hypogonadism syndrome. Identifiers: Orphanet 1387, MedGen C0796037, MONDO:0023910.
Warburg micro syndrome 2 (WARBM2). Also called: MICRO SYNDROME 2. Identifiers: Orphanet 2510, MedGen C3280214, MONDO:0013641, OMIM 614225.

Allele frequency attached by ClinVar (database versions not stated): gnomAD exomes below 0.00001.
gnomAD v4.1: 1 of 1,614,186 alleles (0.000062%); highest among the groups gnomAD compares: Non-Finnish European, 0.000085%; no homozygotes.

Submission:

Labcorp Genetics (formerly Invitae), Labcorp
Classification: Uncertain significance for Martsolf syndrome; Warburg micro syndrome 2. Last evaluated: 2022-01-26. Review status: criteria provided, single submitter. Criteria: Invitae Variant Classification Sherloc (09022015). Collection method: clinical testing. Allele origin: germline.
Comment: In summary, the available evidence is currently insufficient to determine the role of this variant in disease. Therefore, it has been classified as a Variant of Uncertain Significance. Algorithms developed to predict the effect of missense changes on protein structure and function are either unavailable or do not agree on the potential impact of this missense change (SIFT: "Deleterious"; PolyPhen-2: "Probably Damaging"; Align-GVGD: "Class C0"). This variant has not been reported in the literature in individuals affected with RAB3GAP2-related conditions. This variant is not present in population databases (gnomAD no frequency). This sequence change replaces serine, which is neutral and polar, with cysteine, which is neutral and slightly polar, at codon 818 of the RAB3GAP2 protein (p.Ser818Cys).